The following is an entry in ClinVar:

ClinVar aggregate classification (germline): Likely benign. Review status: criteria provided, multiple submitters, no conflicts (2 of 4 stars). 2 submissions from 2 submitters: Likely benign (2). Last evaluated 2025-04-28.

Conditions:
SLC25A13-related disorder. Also called: SLC25A13-related condition.
Citrin deficiency. Identifiers: Orphanet 247582, MedGen C1997910, MONDO:0016602.

Allele frequency attached by ClinVar (database versions not stated): gnomAD 0.00001; gnomAD exomes 0.00001; TOPMed 0.00001.
gnomAD v4.1: 15 of 1,613,922 alleles (0.00093%); highest among the groups gnomAD compares: Admixed American, 0.0033%; no homozygotes.

Submissions (2):

PreventionGenetics, part of Exact Sciences
Classification: Likely benign for SLC25A13-related condition. Last evaluated: 2025-04-28. Review status: criteria provided, single submitter. Criteria: ACMG Guidelines, 2015. Collection method: clinical testing. Allele origin: germline.
Comment: This variant is classified as likely benign based on ACMG/AMP sequence variant interpretation guidelines (Richards et al. 2015 PMID: 25741868, with internal and published modifications).

Labcorp Genetics (formerly Invitae), Labcorp
Classification: Likely benign for Citrin deficiency. Last evaluated: 2025-04-17. Review status: criteria provided, single submitter. Criteria: Invitae Variant Classification Sherloc (09022015). Collection method: clinical testing. Allele origin: germline.

NM_014251.3(SLC25A13):c.1593T>C (p.Gly531=)

Gene: SLC25A13 (solute carrier family 25 member 13; minus strand). Cytogenetic location: 7q21.3.
Variant type: single nucleotide variant.
Coding change: c.1593T>C on transcript NM_014251.3 (MANE Select); coding-DNA position 1593, T replaced by C.
Protein change: p.Gly531=; no amino-acid change (glycine 531 retained).
Molecular consequence: synonymous variant. On other transcripts: non-coding transcript variant (1).
Genome position (GRCh38, 1-based): chr7:96,121,996, A>G on the plus strand (T>C on the coding strand, the complement: SLC25A13 is on the minus strand). VCF-style: chr7-96121996-A-G. GRCh37 (hg19) VCF-style: chr7-95751308-A-G.
Other names: c.1596T>C, p.Gly532= (NM_001160210.2); c.1593T>C (NM_014251.2).
Identifiers: ClinVar variation 1081172 (VCV001081172.10), dbSNP rs1347392751, ClinGen allele CA456632355.